The following is an entry in ClinVar:

ClinVar aggregate classification (germline): Benign/Likely benign. Review status: criteria provided, multiple submitters, no conflicts (2 of 4 stars). 5 submissions from 5 submitters: Benign (2); Likely benign (3). Last evaluated 2026-01-28.

Conditions:
Androgen resistance syndrome (AIS). Also called: DHTR DEFICIENCY; Androgen insensitivity; ANDROGEN RECEPTOR DEFICIENCY; Androgen insensitivity syndrome; DIHYDROTESTOSTERONE RECEPTOR DEFICIENCY; Androgen insensitivity, complete. Identifiers: Orphanet 754, Orphanet 99429, MedGen C0039585, MONDO:0019154, OMIM 300068. Disease mechanism: loss of function.
Kennedy disease (SMAX1). Also called: SPINAL AND BULBAR MUSCULAR ATROPHY, X-LINKED 1; Spinal and Bulbar Muscular Atrophy; KENNEDY SPINAL AND BULBAR MUSCULAR ATROPHY. Identifiers: Orphanet 481, MedGen C1839259, MONDO:0010735, OMIM 313200.

Submissions (5):

Labcorp Genetics (formerly Invitae), Labcorp
Classification: Benign for Kennedy disease; Androgen resistance syndrome. Last evaluated: 2026-01-28. Review status: criteria provided, single submitter. Criteria: Invitae Variant Classification Sherloc (09022015). Collection method: clinical testing. Allele origin: germline.

Blueprint Genetics
Classification: Likely benign. Last evaluated: 2024-11-27. Review status: criteria provided, single submitter. Criteria: ACMG Guidelines, 2015. Collection method: clinical testing. Allele origin: germline.

CeGaT Center for Human Genetics Tuebingen
Classification: Benign. Last evaluated: 2024-10-01. Review status: criteria provided, single submitter. Criteria: CeGaT Center For Human Genetics Tuebingen Variant Classification Criteria Version 2. Collection method: clinical testing. Allele origin: germline. Affected: yes. Observed: 2 variant alleles.
Comment: AR: BS1, BS2

GeneDx
Classification: Likely benign. Last evaluated: 2020-06-24. Review status: criteria provided, single submitter. Criteria: GeneDx Variant Classification Process June 2021. Collection method: clinical testing. Allele origin: germline. Affected: yes.

Genetic Services Laboratory, University of Chicago
Classification: Likely benign. Last evaluated: 2016-04-22. Review status: criteria provided, single submitter. Criteria: ACMG Guidelines, 2015. Collection method: clinical testing. Allele origin: germline. Affected: no.

NM_000044.6(AR):c.171GCA[16] (p.Gln74_Gln80del)

Genes: AR (androgen receptor; plus strand), LOC109504725 (androgen receptor repeat instability region; plus strand). Cytogenetic location: Xq12.
Variant type: Microsatellite.
Coding change: c.171GCA[16] on transcript NM_000044.6 (MANE Select); 16 copies in a row of the 3-base unit GCA starting at c.171; the reference has 23 copies in a row; seven copies, 21 bases deleted.
Protein change: p.Gln74_Gln80del.
Molecular consequence: inframe deletion. On other transcripts: 5 prime UTR variant (1).
Genome position (GRCh38, 1-based): chrX:67,545,365-67,545,385, GCAGCAGCAGCAGCAGCAGCA deleted; deleting any 21 consecutive bases within chrX:67,545,317-67,545,385 gives the same sequence; the position shown is the placement nearest the transcript's 3' end. VCF-style (leftmost placement, unchanged base first): chrX-67545316-TGCAGCAGCAGCAGCAGCAGCA-T. GRCh37 (hg19) VCF-style: chrX-66765158-TGCAGCAGCAGCAGCAGCAGCA-T.
Other names: c.219_239delGCAGCAGCAGCAGCAGCAGCA (NM_000044.2); c.-1613GCA[16] (NM_001011645.3); c.171GCA[16], p.Gln74_Gln80del (NM_001348061.1, NM_001348063.1, NM_001348064.1).
Identifiers: ClinVar variation 434262 (VCV000434262.38), dbSNP rs3032358, ClinGen allele CA645373300.